The following continues an entry in ClinVar:

NM_000018.4(ACADVL):c.779C>T (p.Thr260Met)

Gene: ACADVL. ClinVar aggregate classification (germline): Likely pathogenic. Likely pathogenic (1).

Submissions 8 to 15 of 15:

ARUP Laboratories, Molecular Genetics and Genomics, ARUP Laboratories
Classification: Pathogenic for Very long chain acyl-CoA dehydrogenase deficiency. Last evaluated: 2024-02-28. Review status: criteria provided, single submitter. Criteria: ARUP Molecular Germline Variant Investigation Process 2024. Collection method: clinical testing. Allele origin: germline. Not counted in ClinVar's aggregate classification.
Comment: The ACADVL c.779C>T; p.Thr260Met variant (rs113994168), also known as Thr220Met, has been reported in multiple individuals diagnosed with very long chain acyl-CoA dehydrogenase deficiency, often found in-trans with another pathogenic variant (Andresen 1996, Andresen 1999, Gobin-Limballe 2010, Laforet 2009, Mathur 1999). Additionally, functional characterization of the variant protein in patient fibroblasts demonstrate significantly decreased enzymatic activity (Andresen 1996, Andresen 1999, Hoffman 2012, Laforet 2009). This variant is reported in ClinVar (Variation ID: 21024) and observed in the general population at a low overall frequency of 0.002% (5/246264 alleles) in the Genome Aggregation Database. The threonine at residue 260 is highly conserved, and computational analyses predict that this variant is deleterious (REVEL: 0.875). Based on available information, this variant is considered pathogenic. References: Andresen B et al. Cloning and characterization of human very-long-chain acyl-CoA dehydrogenase cDNA, chromosomal assignment of the gene and identification in four patients of nine different mutations within the VLCAD gene. Hum Mol Genet. 1996; 5(4):461-72. PMID: 8845838. Andresen B et al. Clear correlation of genotype with disease phenotype in very-long-chain acyl-CoA dehydrogenase deficiency. Am J Hum Genet. 1999; 64(2):479-94. PMID: 9973285. Gobin-Limballe S et al. Compared effects of missense mutations in Very-Long-Chain Acyl-CoA Dehydrogenase deficiency: Combined analysis by structural, functional and pharmacological approaches. Biochim Biophys Acta. 2010; 1802(5):478-84. PMID: 20060901. Hoffman L et al. VLCAD enzyme activity determinations in newborns identified by screening: a valuable tool for risk assessment. J Inherit Metab Dis. 2012; 35(2):269-77. PMID: 21932095. Laforet P et al. Diagnostic assessment and long-term follow-up of 13 patients with Very Long-Chain Acyl-Coenzyme A dehydrogenase (VLCAD) deficiency. Neuromuscul Disord. 2009; 19(5):324-9. PMID: 19327992. Mathur A et al. Molecular heterogeneity in very-long-chain acyl-CoA dehydrogenase deficiency causing pediatric cardiomyopathy and sudden death. Circulation. 1999; 99(10):1337-43. PMID: 10077518.

Baylor Genetics
Classification: Pathogenic for Very long chain acyl-CoA dehydrogenase deficiency. Last evaluated: 2024-02-20. Review status: criteria provided, single submitter. Criteria: ACMG Guidelines, 2015. Collection method: clinical testing. Allele origin: unknown. Not counted in ClinVar's aggregate classification.

Revvity Omics, Revvity
Classification: Pathogenic for Very long chain acyl-CoA dehydrogenase deficiency. Last evaluated: 2023-05-24. Review status: criteria provided, single submitter. Criteria: ACMG Guidelines, 2015. Collection method: clinical testing. Allele origin: germline. Not counted in ClinVar's aggregate classification.

Centre of Medical Genetics, University Hospital Muenster
Classification: Pathogenic. Last evaluated: 2021-12-04. Review status: criteria provided, single submitter. Criteria: ACMG Guidelines, 2015. Collection method: clinical testing. Allele origin: unknown. Affected: yes. Observed: 1 variant allele, 1 heterozygote. Not counted in ClinVar's aggregate classification.
Comment: ACMG categories: PS5,PM1,PM2,PM3,PP3,PP4,PP5,BP1

GeneDx
Classification: Pathogenic. Last evaluated: 2020-06-17. Review status: criteria provided, single submitter. Criteria: GeneDx Variant Classification Process June 2021. Collection method: clinical testing. Allele origin: germline. Affected: yes. Not counted in ClinVar's aggregate classification.
Comment: Published functional studies found T260M is associated with significantly reduced enzyme activity (Andresen et al., 1999; Goetzman et al., 2007); Not observed at a significant frequency in large population cohorts (gnomAD); In silico analysis, which includes protein predictors and evolutionary conservation, supports a deleterious effect; This variant is associated with the following publications: (PMID: 20480395, 17374501, 25087612, 20060901, 9973285, 8845838, 21932095, 27943070, 30194637, 16950999, 20301763, 10077518, 19327992, 31589614)

Wong Mito Lab, Molecular and Human Genetics, Baylor College of Medicine
Classification: Pathogenic for Very long chain acyl-CoA dehydrogenase deficiency. Last evaluated: 2019-11-01. Review status: criteria provided, single submitter. Criteria: ACMG Guidelines, 2015. Collection method: clinical testing. Allele origin: germline. Not counted in ClinVar's aggregate classification.
Comment: The NM_000018.3:c.779C>T (NP_000009.1:p.Thr260Met) [GRCH38: NC_000017.11:g.7222203C>T] variant in ACADVL gene is interpretated to be Pathogenic based on ACMG guidelines (PMID: 25741868). This variant has been reported in PMID: 8845838. This variant meets the following evidence codes reported in the ACMG guidelines: PS1, PS3

Women's Health and Genetics/Laboratory Corporation of America, LabCorp
Classification: Pathogenic for Very long chain acyl-CoA dehydrogenase deficiency. Last evaluated: 2018-07-02. Review status: criteria provided, single submitter. Criteria: LabCorp Variant Classification Summary - May 2015. Collection method: clinical testing. Allele origin: germline. Not counted in ClinVar's aggregate classification.
Comment: Variant summary: ACADVL c.779C>T (p.Thr260Met) results in a non-conservative amino acid change located in the Acyl-CoA oxidase/dehydrogenase, central domain of the encoded protein sequence. Five of five in-silico tools predict a damaging effect of the variant on protein function. The variant allele was found at a frequency of 2e-05 in 246264 control chromosomes (gnomAD). c.779C>T has been reported in the literature in multiple individuals affected with Very Long Chain Acyl-CoA Dehydrogenase Deficiency as both a homozygous and compound heterozygous allele (Liebig_2006, Laforet_2009). These data indicate that the variant is very likely to be associated with disease. One publication reports experimental evidence showing a significant decrease (<10% of normal) in VLCAD activity in patient fibroblasts (Laforet_2009). Two ClinVar submissions from clinical diagnostic laboratories (evaluation after 2014) cite the variant as "pathogenic." Based on the evidence outlined above, the variant was classified as pathogenic.

Counsyl
Classification: Likely pathogenic for Very long chain acyl-CoA dehydrogenase deficiency. Last evaluated: 2014-11-25. Review status: no assertion criteria provided. Collection method: literature only. Allele origin: unknown. Inheritance: Autosomal recessive inheritance. Not counted in ClinVar's aggregate classification.

Literature cited by the submitters: PubMed 9973285 (cited by 4 submitters); PubMed 17374501 (cited by 3 submitters); PubMed 31031081 (cited by Victorian Clinical Genetics Services, Murdoch Childrens Research Institute); PubMed 19327992 (cited by 4 submitters); PubMed 20060901 (cited by Labcorp Genetics (formerly Invitae), Labcorp and Counsyl); PubMed 21932095 (cited by Labcorp Genetics (formerly Invitae), Labcorp and Counsyl); PubMed 27243974 (cited by Natera, Inc.); PubMed 8845838 (cited by Wong Mito Lab, Molecular and Human Genetics, Baylor College of Medicine); PubMed 16950999 (cited by Women's Health and Genetics/Laboratory Corporation of America, LabCorp); PubMed 10077518 (cited by Counsyl); PubMed 20480395 (cited by Counsyl); PubMed 25087612 (cited by Counsyl).